The following is an entry in ClinVar:

NM_053025.4(MYLK):c.3965A>C (p.Gln1322Pro)

Gene: MYLK (myosin light chain kinase; minus strand). Cytogenetic location: 3q21.1.
Variant type: single nucleotide variant.
Coding change: c.3965A>C on transcript NM_053025.4 (MANE Select); coding-DNA position 3965, A replaced by C.
Protein change: p.Gln1322Pro; replaces glutamine 1322 with proline.
Molecular consequence: missense variant.
Genome position (GRCh38, 1-based): chr3:123,664,125, T>G on the plus strand (A>C on the coding strand, the complement: MYLK is on the minus strand). VCF-style: chr3-123664125-T-G. GRCh37 (hg19) VCF-style: chr3-123382972-T-G.
Other names: c.3437A>C, p.Gln1146Pro (NM_001321309.2); c.3758A>C, p.Gln1253Pro (NM_053026.4, NM_053028.4); c.3965A>C, p.Gln1322Pro (NM_053027.4); short protein forms Q1146P, Q1253P, Q1322P.
Identifiers: ClinVar variation 4635447 (VCV004635447.1).

ClinVar aggregate classification (germline): Uncertain significance (1 of 4 stars; one submission).

Conditions:
Familial thoracic aortic aneurysm and aortic dissection (TAAD). Also called: Thoracic aortic aneurysms and dissections. Identifiers: Orphanet 91387, MedGen C4707243, MONDO:0019625.

Submission:

Ambry Genetics
Classification: Uncertain significance for Familial thoracic aortic aneurysm and aortic dissection. Last evaluated: 2025-11-16. Review status: criteria provided, single submitter. Criteria: Ambry Variant Classification Scheme 2023. Collection method: clinical testing. Allele origin: germline.
Comment: The p.Q1322P variant (also known as c.3965A>C), located in coding exon 20 of the MYLK gene, results from an A to C substitution at nucleotide position 3965. The glutamine at codon 1322 is replaced by proline, an amino acid with similar properties. This amino acid position is conserved. In addition, the in silico prediction for this alteration is inconclusive. Based on the available evidence, the clinical significance of this variant remains unclear.